The following is an entry in ClinVar:

NM_022458.4(LMBR1):c.758-2298A>G

Gene: LMBR1 (limb development membrane protein 1; minus strand). Cytogenetic location: 7q36.3.
Variant type: single nucleotide variant.
Coding change: c.758-2298A>G on transcript NM_022458.4 (MANE Select); 2298 bases into the intron before coding-DNA position 758, A replaced by G.
Molecular consequence: intron variant. On other transcripts: missense variant (2).
Genome position (GRCh38, 1-based): chr7:156,736,555, T>C on the plus strand (A>G on the coding strand, the complement: LMBR1 is on the minus strand). VCF-style: chr7-156736555-T-C. GRCh37 (hg19) VCF-style: chr7-156529249-T-C.
Other names: c.389-2298A>G (NM_001363411.2, NM_001350957.2); c.302-2298A>G (NM_001350955.2, NM_001363413.2, NM_001350958.2 and 1 more transcripts); c.818A>G, p.Gln273Arg (NM_001350953.2, NM_001363409.2); c.695-2298A>G (NM_001363412.2); c.479-2298A>G (NM_001350954.2); c.758-2298A>G (NM_001363410.2); short protein forms Q273R.
Identifiers: ClinVar variation 4881298 (VCV004881298.2).

ClinVar aggregate classification (germline): Uncertain significance (1 of 4 stars; one submission).

gnomAD v4.1: 48 of 457,018 alleles (0.011%); highest among the groups gnomAD compares: African/African-American, 0.088%; no homozygotes.

Submission:

Dasa
Classification: Uncertain significance. Last evaluated: 2025-10-26. Review status: criteria provided, single submitter. Criteria: DASA Assertion Criteria. Collection method: clinical testing. Allele origin: germline.
Comment: NM_001350953.2(LMBR1):c.818A>G (p.Gln273Arg) is a missense variant that results in the substitution of glutamine with arginine. This variant is rare in population databases. Computational prediction algorithms are consistent with a benign effect. The currently available literature and clinical evidence are not sufficient to establish a definitive association between this variant and the reported condition. Therefore, this variant is classified as a variant of uncertain significance.